The following is an entry in ClinVar:

NM_001127222.2(CACNA1A):c.6371C>G (p.Ser2124Ter)

Gene: CACNA1A (calcium voltage-gated channel subunit alpha1 A; minus strand). Cytogenetic location: 19p13.13.
Variant type: single nucleotide variant.
Coding change: c.6371C>G on transcript NM_001127222.2 (MANE Select); coding-DNA position 6371, C replaced by G.
Protein change: p.Ser2124Ter; replaces serine 2124 with a stop codon.
Molecular consequence: nonsense.
Genome position (GRCh38, 1-based): chr19:13,209,467, G>C on the plus strand (C>G on the coding strand, the complement: CACNA1A is on the minus strand). VCF-style: chr19-13209467-G-C. GRCh37 (hg19) VCF-style: chr19-13320281-G-C.
Other names: c.6389C>G, p.Ser2130Ter (NM_000068.4, NM_023035.3); c.6374C>G, p.Ser2125Ter (NM_001127221.2); c.6380C>G, p.Ser2127Ter (NM_001174080.2); short protein forms S2124*, S2125*, S2127*, S2130*.
Identifiers: ClinVar variation 3759409 (VCV003759409.2).
Genomic context (GRCh38, chr19:13,209,467, plus strand): 5'-GGGACCCGCTCCAGCGAGTAATCGTCCAGGCGTCGGGCCTTGGGGCCCAGCACGGAGGCT[G>C]AACGCTTCATGGGGCTGGTGTCTGAGATGGTCTGGGGGAGGGGACAGGCCGGTGGGCTGG-3'

ClinVar aggregate classification (germline): Pathogenic (1 of 4 stars; one submission).

Conditions:
Episodic ataxia type 2 (EA2). Also called: ATAXIA, EPISODIC, WITH NYSTAGMUS; ATAXIA, FAMILIAL PAROXYSMAL; ACETAZOLAMIDE-RESPONSIVE HEREDITARY PAROXYSMAL CEREBELLAR ATAXIA; CEREBELLAR ATAXIA, PAROXYSMAL, ACETAZOLAMIDE-RESPONSIVE; CEREBELLOPATHY, HEREDITARY PAROXYSMAL; EPISODIC ATAXIA, NYSTAGMUS-ASSOCIATED. Identifiers: Orphanet 97, MedGen C1720416, MONDO:0007163, OMIM 108500.
Developmental and epileptic encephalopathy, 42 (DEE42A). Also called: Epileptic encephalopathy, early infantile, 42; DEVELOPMENTAL AND EPILEPTIC ENCEPHALOPATHY 42A; EPILEPTIC ENCEPHALOPATHY, EARLY INFANTILE, 42A. Identifiers: MedGen C4310716, MONDO:0014917, OMIM 617106.

Submission:

Labcorp Genetics (formerly Invitae), Labcorp
Classification: Pathogenic for Developmental and epileptic encephalopathy, 42; Episodic ataxia type 2. Last evaluated: 2024-10-09. Review status: criteria provided, single submitter. Criteria: Invitae Variant Classification Sherloc (09022015). Collection method: clinical testing. Allele origin: germline.
Comment: This sequence change creates a premature translational stop signal (p.Ser2125*) in the CACNA1A gene. It is expected to result in an absent or disrupted protein product. Loss-of-function variants in CACNA1A are known to be pathogenic (PMID: 10371528, 19486177, 25735478, 27250579). This variant is not present in population databases (gnomAD no frequency). This variant has not been reported in the literature in individuals affected with CACNA1A-related conditions. For these reasons, this variant has been classified as Pathogenic.

Literature cited by the submitters: PubMed 10371528; PubMed 19486177; PubMed 25735478; PubMed 27250579.